The following is an entry in ClinVar:

NM_017841.4(SDHAF2):c.210G>A (p.Leu70=)

Gene: SDHAF2 (succinate dehydrogenase complex assembly factor 2; plus strand). Cytogenetic location: 11q12.2.
Variant type: single nucleotide variant.
Coding change: c.210G>A on transcript NM_017841.4 (MANE Select); coding-DNA position 210, G replaced by A.
Protein change: p.Leu70=; no amino-acid change (leucine 70 retained).
Molecular consequence: synonymous variant.
Genome position (GRCh38, 1-based): chr11:61,437,798, G>A. VCF-style: chr11-61437798-G-A. GRCh37 (hg19) VCF-style: chr11-61205270-G-A.
Identifiers: ClinVar variation 2625583 (VCV002625583.3), dbSNP rs1862011945, ClinGen allele CA474802961.
Genomic context (GRCh38, chr11:61,437,798, plus strand): 5'-CCCTTTGCCTCCATGGCAGGAGAGAACTGATGAATCCATAGAAACCAAAAGAGCCCGCCT[G>A]CTCTATGAGAGCAGAAAGAGGGGAATGTTGGAAAACTGCATTCTTCTTAGGTATGGGACT-3'
Protein context (NP_060311.1, residues 60-80): DESIETKRAR[Leu70=]LYESRKRGML

ClinVar aggregate classification (germline): Benign/Likely benign. Review status: criteria provided, multiple submitters, no conflicts (2 of 4 stars). 2 submissions from 2 submitters: Benign (1); Likely benign (1). Last evaluated 2026-08-05.

Conditions:
Pheochromocytoma/paraganglioma syndrome 2. Also called: SDHAF2-Related Hereditary Paraganglioma-Pheochromocytoma Syndrome; GLOMUS TUMORS, FAMILIAL, 2; Paragangliomas 2; SDHAF2-Related Hereditary Paraganglioma-Pheochromocytoma Syndrome (Paragangliomas 2). Identifiers: Orphanet 29072, MedGen C1866552, MONDO:0011121, OMIM 601650.
Hereditary cancer-predisposing syndrome. Also called: Hereditary Cancer Syndrome; Hereditary neoplastic syndrome; Neoplastic Syndromes, Hereditary; Tumor predisposition. Identifiers: Orphanet 140162, MedGen C0027672, MeSH D009386, MONDO:0015356.

Submissions (2):

Myriad Genetics, Inc.
Classification: Benign for Pheochromocytoma/paraganglioma syndrome 2. Last evaluated: 2026-08-05. Review status: criteria provided, single submitter. Criteria: Myriad Autosomal Dominant, Autosomal Recessive and X-Linked Classification Criteria (2023). Collection method: clinical testing. Allele origin: unknown.
Comment: This variant is considered benign. This variant is a silent/synonymous amino acid change and it is not expected to impact splicing.

Ambry Genetics
Classification: Likely benign for Hereditary cancer-predisposing syndrome. Last evaluated: 2023-09-11. Review status: criteria provided, single submitter. Criteria: Ambry Variant Classification Scheme 2023. Collection method: clinical testing. Allele origin: germline.